The following is an entry in ClinVar:

ClinVar aggregate classification (germline): Uncertain significance. Review status: criteria provided, multiple submitters, no conflicts (2 of 4 stars). 5 submissions from 5 submitters: Uncertain significance (3). 2 of the submissions do not count toward it. Last evaluated 2025-11-03.

Conditions:
Pontocerebellar hypoplasia type 6 (PCH6). Identifiers: Orphanet 166073, MedGen C1969084, MONDO:0012683, OMIM 611523.
Inborn genetic diseases. Identifiers: MedGen C0950123, MeSH D030342.
RARS2-related disorder. Also called: RARS2-related condition.

Allele frequency attached by ClinVar (database versions not stated): TOPMed below 0.00001; ExAC 0.00001; gnomAD 0.00001; gnomAD exomes 0.00001 and 0.00002.
gnomAD v4.1: 29 of 1,601,422 alleles (0.0018%); highest among the groups gnomAD compares: African/African-American, 0.011%; no homozygotes.

Submissions (5):

Myriad Genetics, Inc.
Classification: Uncertain significance for Pontocerebellar hypoplasia type 6. Last evaluated: 2025-11-03. Review status: criteria provided, single submitter. Criteria: Myriad Autosomal Dominant, Autosomal Recessive and X-Linked Classification Criteria (2023). Collection method: clinical testing. Allele origin: unknown.
Comment: NM_020320.3(RARS2):c.28G>A(A10T) is a missense variant classified as a variant of uncertain significance in the context of pontocerebellar hypoplasia, RARS2-related. A10T has been observed in a case with relevant disease (PMID: 35571021). Relevant functional assessments of this variant are not available in the literature. A10T has been observed in referenced population frequency databases. In summary, there is insufficient evidence to classify NM_020320.3(RARS2):c.28G>A(A10T) as pathogenic or benign. Please note: this variant was assessed in the context of healthy population screening.

Ambry Genetics
Classification: Uncertain significance for Inborn genetic diseases. Last evaluated: 2021-10-20. Review status: criteria provided, single submitter. Criteria: Ambry Variant Classification Scheme 2023. Collection method: clinical testing. Allele origin: germline.

GeneDx
Classification: Uncertain significance. Last evaluated: 2020-12-17. Review status: criteria provided, single submitter. Criteria: GeneDx Variant Classification Process June 2021. Collection method: clinical testing. Allele origin: germline. Affected: yes.
Comment: Not observed at a significant frequency in large population cohorts (Lek et al., 2016); In silico analysis supports that this missense variant does not alter protein structure/function; Has not been previously published as pathogenic or benign to our knowledge

PreventionGenetics, part of Exact Sciences
Classification: Uncertain significance for RARS2-related condition. Last evaluated: 2024-02-28. Review status: no assertion criteria provided. Collection method: clinical testing. Allele origin: germline. Not counted in ClinVar's aggregate classification.
Comment: The RARS2 c.28G>A variant is predicted to result in the amino acid substitution p.Ala10Thr. This variant was reported in the homozygous state in an individual with pontocerebellar hypoplasia, type 6 (Chuan et al. 2022. PubMed ID: 35571021). This variant is reported in 0.0018% of alleles in individuals of European (Non-Finnish) descent in gnomAD. An alternate nucleotide change affecting the same amino acid (p.Ala10Val), has been reported in an individual with early onset epileptic encephalopathy, hypotonia, and psychomotor delay (Roux et al. 2021. PubMed ID: 33972171). Although we suspect that this variant may be pathogenic, at this time, the clinical significance of this variant is uncertain due to the absence of conclusive functional and genetic evidence.

Natera, Inc.
Classification: Uncertain significance for Pontocerebellar hypoplasia, type 6. Last evaluated: 2020-03-03. Review status: no assertion criteria provided. Collection method: clinical testing. Allele origin: germline. Not counted in ClinVar's aggregate classification.

Literature cited by the submitters: PubMed 35571021 (cited by Myriad Genetics, Inc.).

NM_020320.5(RARS2):c.28G>A (p.Ala10Thr)

Gene: RARS2 (arginyl-tRNA synthetase 2, mitochondrial; minus strand). Cytogenetic location: 6q15.
Variant type: single nucleotide variant.
Coding change: c.28G>A on transcript NM_020320.5 (MANE Select); coding-DNA position 28, G replaced by A.
Protein change: p.Ala10Thr; replaces alanine 10 with threonine.
Molecular consequence: missense variant. On other transcripts: 5 prime UTR variant (7), non-coding transcript variant (23).
Genome position (GRCh38, 1-based): chr6:87,589,930, C>T on the plus strand (G>A on the coding strand, the complement: RARS2 is on the minus strand). VCF-style: chr6-87589930-C-T. GRCh37 (hg19) VCF-style: chr6-88299648-C-T.
Other names: c.-663G>A (NM_001318785.2); c.28G>A, p.Ala10Thr (NM_001350505.2); c.-719G>A (NM_001350506.2, NM_001350510.2); c.-842G>A (NM_001350507.2); c.-881G>A (NM_001350508.2); c.-589G>A (NM_001350509.2); c.-838G>A (NM_001350511.2); c.28G>A (NM_020320.4); short protein forms A10T.
Identifiers: ClinVar variation 1201952 (VCV001201952.10), dbSNP rs755340864, ClinGen allele CA3916840.